The following is an entry in ClinVar:

ClinVar aggregate classification (germline): Conflicting classifications of pathogenicity. Review status: criteria provided, conflicting classifications (1 of 4 stars). 2 submissions from 2 submitters: Uncertain significance (1); Likely benign (1). Last evaluated 2024-12-29.

Allele frequency attached by ClinVar (database versions not stated): gnomAD exomes 0.00003 and 0.00005; TOPMed 0.00003; gnomAD 0.00004; ExAC 0.00007; ESP Exome Variant Server 0.00008; 1000 Genomes Project 30x 0.00016; 1000 Genomes Project 0.00020.
gnomAD v4.1: 54 of 1,612,626 alleles (0.0033%); highest among the groups gnomAD compares: Admixed American, 0.017%; no homozygotes.

Submissions (2):

Labcorp Genetics (formerly Invitae), Labcorp
Classification: Likely benign. Last evaluated: 2024-12-29. Review status: criteria provided, single submitter. Criteria: Invitae Variant Classification Sherloc (09022015). Collection method: clinical testing. Allele origin: germline.

GeneDx
Classification: Uncertain significance. Last evaluated: 2022-10-18. Review status: criteria provided, single submitter. Criteria: GeneDx Variant Classification Process June 2021. Collection method: clinical testing. Allele origin: germline. Affected: yes.
Comment: In silico analysis supports that this missense variant does not alter protein structure/function; Has not been previously published as pathogenic or benign to our knowledge

NM_194248.3(OTOF):c.3707G>A (p.Arg1236His)

Gene: OTOF (otoferlin; minus strand). Cytogenetic location: 2p23.3.
Variant type: single nucleotide variant.
Coding change: c.3707G>A on transcript NM_194248.3 (MANE Select); coding-DNA position 3707, G replaced by A.
Protein change: p.Arg1236His; replaces arginine 1236 with histidine.
Molecular consequence: missense variant.
Genome position (GRCh38, 1-based): chr2:26,473,158, C>T on the plus strand (G>A on the coding strand, the complement: OTOF is on the minus strand). VCF-style: chr2-26473158-C-T. GRCh37 (hg19) VCF-style: chr2-26696026-C-T.
Other names: c.3707G>A, p.Arg1236His (NM_001287489.2); c.1466G>A, p.Arg489His (NM_004802.4, NM_194323.3); c.1637G>A, p.Arg546His (NM_194322.3); short protein forms R1236H, R489H, R546H.
Identifiers: ClinVar variation 1218364 (VCV001218364.8), dbSNP rs368633281, ClinGen allele CA1563474.